The following is an entry in ClinVar:

NM_004373.4(COX6A1):c.3G>T (p.Met1Ile)

Gene: COX6A1 (cytochrome c oxidase subunit 6A1; plus strand). Cytogenetic location: 12q24.31.
Variant type: single nucleotide variant.
Coding change: c.3G>T on transcript NM_004373.4 (MANE Select); coding-DNA position 3, G replaced by T.
Protein change: p.Met1Ile; changes the start codon (methionine 1).
Molecular consequence: missense variant, initiator codon variant.
Genome position (GRCh38, 1-based): chr12:120,438,129, G>T. VCF-style: chr12-120438129-G-T. GRCh37 (hg19) VCF-style: chr12-120875932-G-T.
Other names: short protein forms M1I.
Identifiers: ClinVar variation 1511804 (VCV001511804.3), dbSNP rs1343217330, ClinGen allele CA386567792.

ClinVar aggregate classification (germline): Uncertain significance (1 of 4 stars; one submission).

Allele frequency attached by ClinVar (database versions not stated): gnomAD exomes below 0.00001; TOPMed below 0.00001; gnomAD 0.00001.

Submission:

Labcorp Genetics (formerly Invitae), Labcorp
Classification: Uncertain significance. Last evaluated: 2022-03-31. Review status: criteria provided, single submitter. Criteria: Invitae Variant Classification Sherloc (09022015). Collection method: clinical testing. Allele origin: germline.
Comment: This sequence change affects the initiator methionine of the COX6A1 mRNA. The next in-frame methionine is located at codon 24. This variant is not present in population databases (gnomAD no frequency). This variant has not been reported in the literature in individuals affected with COX6A1-related conditions. Experimental studies and prediction algorithms are not available or were not evaluated, and the functional significance of this variant is currently unknown. In summary, the available evidence is currently insufficient to determine the role of this variant in disease. Therefore, it has been classified as a Variant of Uncertain Significance.